The following is an entry in ClinVar:

ClinVar aggregate classification (germline): Uncertain significance (1 of 4 stars; one submission).

Submission:

GeneDx
Classification: Uncertain significance. Last evaluated: 2024-04-04. Review status: criteria provided, single submitter. Criteria: GeneDx Variant Classification Process June 2021. Collection method: clinical testing. Allele origin: germline. Affected: yes.
Comment: Not observed at significant frequency in large population cohorts (gnomAD); In silico analysis indicates that this missense variant does not alter protein structure/function; Has not been previously published as pathogenic or benign to our knowledge

NM_016604.4(KDM3B):c.370C>G (p.Pro124Ala)

Gene: KDM3B (lysine demethylase 3B; plus strand). Cytogenetic location: 5q31.2.
Variant type: single nucleotide variant.
Coding change: c.370C>G on transcript NM_016604.4 (MANE Select); coding-DNA position 370, C replaced by G.
Protein change: p.Pro124Ala; replaces proline 124 with alanine.
Molecular consequence: missense variant.
Genome position (GRCh38, 1-based): chr5:138,375,102, C>G. VCF-style: chr5-138375102-C-G. GRCh37 (hg19) VCF-style: chr5-137710791-C-G.
Other names: short protein forms P124A.
Identifiers: ClinVar variation 3372133 (VCV003372133.1).
Genomic context (GRCh38, chr5:138,375,102, plus strand): 5'-TGTTTTTTTATTCCCAAGTTCTAATCAATTTCTTGTCATTGTACTTCACAGACTTTTACT[C>G]CCCTTGTAGATAAACTGGGTTTGGGTTCTGTGGTTCCAGTGGAATATCTTCTGGATCGAG-3'
Protein context (NP_057688.3, residues 114-134): IAQWPALTFT[Pro124Ala]LVDKLGLGSV